The following is an entry in ClinVar:

NM_014629.4(ARHGEF10):c.1768C>T (p.Arg590Cys)

Gene: ARHGEF10 (Rho guanine nucleotide exchange factor 10; plus strand). Cytogenetic location: 8p23.3.
Variant type: single nucleotide variant.
Coding change: c.1768C>T on transcript NM_014629.4 (MANE Select); coding-DNA position 1768, C replaced by T.
Protein change: p.Arg590Cys; replaces arginine 590 with cysteine.
Molecular consequence: missense variant.
Genome position (GRCh38, 1-based): chr8:1,903,398, C>T. VCF-style: chr8-1903398-C-T. GRCh37 (hg19) VCF-style: chr8-1851564-C-T.
Other names: c.1654C>T, p.Arg552Cys (NM_001308152.2); c.1768C>T, p.Arg590Cys (NM_001308153.3); short protein forms R552C, R590C, R614C.
Identifiers: ClinVar variation 1501529 (VCV001501529.10), dbSNP rs141069028, ClinGen allele CA4600536.

ClinVar aggregate classification (germline): Conflicting classifications of pathogenicity. Review status: criteria provided, conflicting classifications (1 of 4 stars). 2 submissions from 2 submitters: Uncertain significance (1); Likely benign (1). Last evaluated 2026-01-01.

Allele frequency attached by ClinVar (database versions not stated): ESP Exome Variant Server 0.00008; gnomAD 0.00011 and 0.00012; TOPMed 0.00011; gnomAD exomes 0.00014.
gnomAD v4.1: 225 of 1,614,060 alleles (0.014%); highest among the groups gnomAD compares: South Asian, 0.02%; no homozygotes.

Submissions (2):

CeGaT Center for Human Genetics Tuebingen
Classification: Likely benign. Last evaluated: 2026-01-01. Review status: criteria provided, single submitter. Criteria: CeGaT Center For Human Genetics Tuebingen Variant Classification Criteria Version 2. Collection method: clinical testing. Allele origin: germline. Affected: yes. Observed: 1 variant allele.
Comment: ARHGEF10: BS1:Supporting

Labcorp Genetics (formerly Invitae), Labcorp
Classification: Uncertain significance. Last evaluated: 2025-09-10. Review status: criteria provided, single submitter. Criteria: Invitae Variant Classification Sherloc (09022015). Collection method: clinical testing. Allele origin: germline.
Comment: This sequence change replaces arginine, which is basic and polar, with cysteine, which is neutral and slightly polar, at codon 590 of the ARHGEF10 protein (p.Arg590Cys). This variant is present in population databases (rs141069028, gnomAD 0.01%). This variant has not been reported in the literature in individuals affected with ARHGEF10-related conditions. ClinVar contains an entry for this variant (Variation ID: 1501529). Invitae Evidence Modeling of protein sequence and biophysical properties (such as structural, functional, and spatial information, amino acid conservation, physicochemical variation, residue mobility, and thermodynamic stability) indicates that this missense variant is not expected to disrupt ARHGEF10 protein function with a negative predictive value of 80%. In summary, the available evidence is currently insufficient to determine the role of this variant in disease. Therefore, it has been classified as a Variant of Uncertain Significance.